The following is an entry in ClinVar:

NM_015047.3(EMC1):c.994G>A (p.Val332Met)

Genes: EMC1 (ER membrane protein complex subunit 1; minus strand), EMC1-AS1 (EMC1 antisense RNA 1; plus strand). Cytogenetic location: 1p36.13.
Variant type: single nucleotide variant.
Coding change: c.994G>A on transcript NM_015047.3 (MANE Select); coding-DNA position 994, G replaced by A.
Protein change: p.Val332Met; replaces valine 332 with methionine.
Molecular consequence: missense variant.
Genome position (GRCh38, 1-based): chr1:19,239,263, C>T on the plus strand (G>A on the coding strand, the complement: EMC1 is on the minus strand). VCF-style: chr1-19239263-C-T. GRCh37 (hg19) VCF-style: chr1-19565757-C-T.
Other names: c.994G>A, p.Val332Met (NM_001271427.2, NM_001271428.2, NM_001375820.1 and 1 more transcripts); c.928G>A, p.Val310Met (NM_001271429.2); short protein forms V310M, V332M.
Identifiers: ClinVar variation 1424035 (VCV001424035.8), dbSNP rs763783278, ClinGen allele CA652722.

ClinVar aggregate classification (germline): Uncertain significance (1 of 4 stars; one submission).

Allele frequency attached by ClinVar (database versions not stated): gnomAD 0.00001; gnomAD exomes 0.00001 and 0.00002; ExAC 0.00004.
gnomAD v4.1: 9 of 1,614,070 alleles (0.00056%); highest among the groups gnomAD compares: Non-Finnish European, 0.00076%; no homozygotes.

Submission:

Labcorp Genetics (formerly Invitae), Labcorp
Classification: Uncertain significance. Last evaluated: 2022-10-25. Review status: criteria provided, single submitter. Criteria: Invitae Variant Classification Sherloc (09022015). Collection method: clinical testing. Allele origin: germline.
Comment: ClinVar contains an entry for this variant (Variation ID: 1424035). This sequence change replaces valine, which is neutral and non-polar, with methionine, which is neutral and non-polar, at codon 332 of the EMC1 protein (p.Val332Met). This variant is present in population databases (rs763783278, gnomAD 0.006%). This variant has not been reported in the literature in individuals affected with EMC1-related conditions. Advanced modeling of protein sequence and biophysical properties (such as structural, functional, and spatial information, amino acid conservation, physicochemical variation, residue mobility, and thermodynamic stability) performed at Invitae indicates that this missense variant is expected to disrupt EMC1 protein function. In summary, the available evidence is currently insufficient to determine the role of this variant in disease. Therefore, it has been classified as a Variant of Uncertain Significance.